The following is an entry in ClinVar:

NM_000057.4(BLM):c.4172G>A (p.Gly1391Glu)

Gene: BLM (BLM RecQ like helicase; plus strand). Cytogenetic location: 15q26.1.
Variant type: single nucleotide variant.
Coding change: c.4172G>A on transcript NM_000057.4 (MANE Select); coding-DNA position 4172, G replaced by A.
Protein change: p.Gly1391Glu; replaces glycine 1391 with glutamic acid.
Molecular consequence: missense variant.
Genome position (GRCh38, 1-based): chr15:90,815,197, G>A. VCF-style: chr15-90815197-G-A. GRCh37 (hg19) VCF-style: chr15-91358427-G-A.
Other names: c.4172G>A, p.Gly1391Glu (NM_001287246.2); c.3779G>A, p.Gly1260Glu (NM_001287247.2); c.3047G>A, p.Gly1016Glu (NM_001287248.2); short protein forms G1016E, G1260E, G1391E.
Identifiers: ClinVar variation 1721799 (VCV001721799.6), dbSNP rs770278313, ClinGen allele CA393852464.

ClinVar aggregate classification (germline): Uncertain significance (1 of 4 stars; one submission).

Conditions:
Bloom syndrome (BLM). Also called: Bloom-Torre-Machacek syndrome. Identifiers: Orphanet 125, MedGen C0005859, MONDO:0008876, OMIM 210900.

gnomAD v4.1: 2 of 1,614,142 alleles (0.00012%); highest among the groups gnomAD compares: Non-Finnish European, 0.00017%; no homozygotes.

Submission:

Labcorp Genetics (formerly Invitae), Labcorp
Classification: Uncertain significance for Bloom syndrome. Last evaluated: 2022-10-18. Review status: criteria provided, single submitter. Criteria: Invitae Variant Classification Sherloc (09022015). Collection method: clinical testing. Allele origin: germline.
Comment: This sequence change replaces glycine, which is neutral and non-polar, with glutamic acid, which is acidic and polar, at codon 1391 of the BLM protein (p.Gly1391Glu). This variant is not present in population databases (gnomAD no frequency). This variant has not been reported in the literature in individuals affected with BLM-related conditions. Algorithms developed to predict the effect of missense changes on protein structure and function are either unavailable or do not agree on the potential impact of this missense change (SIFT: "Deleterious"; PolyPhen-2: "Possibly Damaging"; Align-GVGD: "Class C0"). In summary, the available evidence is currently insufficient to determine the role of this variant in disease. Therefore, it has been classified as a Variant of Uncertain Significance.